The following is an entry in ClinVar:

NM_152419.3(HGSNAT):c.127A>T (p.Lys43Ter)

Gene: HGSNAT (heparan-alpha-glucosaminide N-acetyltransferase; plus strand). Cytogenetic location: 8p11.21.
Variant type: single nucleotide variant.
Coding change: c.127A>T on transcript NM_152419.3 (MANE Select); coding-DNA position 127, A replaced by T.
Protein change: p.Lys43Ter; replaces lysine 43 with a stop codon.
Molecular consequence: nonsense. On other transcripts: 5 prime UTR variant (1).
Genome position (GRCh38, 1-based): chr8:43,146,956, A>T. VCF-style: chr8-43146956-A-T. GRCh37 (hg19) VCF-style: chr8-43002099-A-T.
Other names: c.127A>T, p.Lys43Ter (NM_001363227.2, NM_001363228.2); c.-707A>T (NM_001363229.2); short protein forms K43*.
Identifiers: ClinVar variation 2948880 (VCV002948880.3), dbSNP rs2486847061, ClinGen allele CA371124751.

ClinVar aggregate classification (germline): Pathogenic (1 of 4 stars; one submission).

Conditions:
Retinitis pigmentosa 73 (RP73). Identifiers: Orphanet 791, MedGen C4225287, MONDO:0014687, OMIM 616544.
Mucopolysaccharidosis, MPS-III-C (MPS3C). Also called: SANFILIPPO SYNDROME C; MPS III C; Mucopolysaccharidosis type IIIC (Sanfilippo C); MUCOPOLYSACCHARIDOSIS, TYPE IIIC; mucopolysaccharidosis type 3C; MPS IIIC (Sanfilippo Syndrome Type C). Identifiers: Orphanet 581, Orphanet 79271, MedGen C0086649, MONDO:0009657, OMIM 252930.

Submission:

Labcorp Genetics (formerly Invitae), Labcorp
Classification: Pathogenic for Retinitis pigmentosa 73; Mucopolysaccharidosis, MPS-III-C. Last evaluated: 2023-06-15. Review status: criteria provided, single submitter. Criteria: Invitae Variant Classification Sherloc (09022015). Collection method: clinical testing. Allele origin: germline.
Comment: For these reasons, this variant has been classified as Pathogenic. This variant has not been reported in the literature in individuals affected with HGSNAT-related conditions. This variant is not present in population databases (gnomAD no frequency). This sequence change creates a premature translational stop signal (p.Lys43*) in the HGSNAT gene. It is expected to result in an absent or disrupted protein product. Loss-of-function variants in HGSNAT are known to be pathogenic (PMID: 17033958, 19479962).

Literature cited by the submitters: PubMed 17033958; PubMed 19479962.